The following is an entry in ClinVar:

ClinVar aggregate classification (germline): Uncertain significance. Review status: criteria provided, multiple submitters, no conflicts (2 of 4 stars). 2 submissions from 2 submitters: Uncertain significance (2). Last evaluated 2025-12-17.

Conditions:
Hereditary cancer-predisposing syndrome. Also called: Tumor predisposition; Neoplastic Syndromes, Hereditary; Hereditary Cancer Syndrome; Hereditary neoplastic syndrome. Identifiers: Orphanet 140162, MedGen C0027672, MeSH D009386, MONDO:0015356.

Submissions (2):

Ambry Genetics
Classification: Uncertain significance for Hereditary cancer-predisposing syndrome. Last evaluated: 2025-12-17. Review status: criteria provided, single submitter. Criteria: Ambry Variant Classification Scheme 2023. Collection method: clinical testing. Allele origin: germline.
Comment: The p.D360N variant (also known as c.1078G>A), located in coding exon 8 of the ATM gene, results from a G to A substitution at nucleotide position 1078. The aspartic acid at codon 360 is replaced by asparagine, an amino acid with highly similar properties. In an assay testing ATM function, this variant showed a functionally normal result (Lee KS et al. Cell, 2025 Sep;188:5081-5099.e27). This amino acid position is not well conserved in available vertebrate species. In addition, this alteration is predicted to be tolerated by in silico analysis. Based on the available evidence, the clinical significance of this variant remains unclear.

Color Diagnostics, LLC DBA Color Health
Classification: Uncertain significance for Hereditary cancer-predisposing syndrome. Last evaluated: 2021-03-01. Review status: criteria provided, single submitter. Criteria: ACMG Guidelines, 2015. Collection method: clinical testing. Allele origin: germline.
Comment: This missense variant replaces aspartic acid with asparagine at codon 360 of the ATM protein. Computational prediction suggests that this variant may not impact protein structure and function (internally defined REVEL score threshold <= 0.5, PMID: 27666373). To our knowledge, functional studies have not been reported for this variant. This variant has not been reported in individuals affected with hereditary cancer in the literature. This variant has not been identified in the general population by the Genome Aggregation Database (gnomAD). The available evidence is insufficient to determine the role of this variant in disease conclusively. Therefore, this variant is classified as a Variant of Uncertain Significance.

Literature cited by the submitters: PubMed 40580951 (cited by Ambry Genetics).

NM_000051.4(ATM):c.1078G>A (p.Asp360Asn)

Gene: ATM (ATM serine/threonine kinase; plus strand). Cytogenetic location: 11q22.3.
Variant type: single nucleotide variant.
Coding change: c.1078G>A on transcript NM_000051.4 (MANE Select); coding-DNA position 1078, G replaced by A.
Protein change: p.Asp360Asn; replaces aspartic acid 360 with asparagine.
Molecular consequence: missense variant.
Genome position (GRCh38, 1-based): chr11:108,248,945, G>A. VCF-style: chr11-108248945-G-A. GRCh37 (hg19) VCF-style: chr11-108119672-G-A.
Other names: c.1078G>A, p.Asp360Asn (NM_001351834.2); short protein forms D360N.
Identifiers: ClinVar variation 818346 (VCV000818346.7), dbSNP rs1591517212, ClinGen allele CA382532338.